The following is an entry in ClinVar:

NM_001358921.2(COQ2):c.491G>A (p.Gly164Glu)

Gene: COQ2 (coenzyme Q2, polyprenyltransferase; minus strand). Cytogenetic location: 4q21.23.
Variant type: single nucleotide variant.
Coding change: c.491G>A on transcript NM_001358921.2 (MANE Select); coding-DNA position 491, G replaced by A.
Protein change: p.Gly164Glu; replaces glycine 164 with glutamic acid.
Molecular consequence: missense variant.
Genome position (GRCh38, 1-based): chr4:83,273,547, C>T on the plus strand (G>A on the coding strand, the complement: COQ2 is on the minus strand). VCF-style: chr4-83273547-C-T. GRCh37 (hg19) VCF-style: chr4-84194700-C-T.
Other names: c.641G>A, p.Gly214Glu (NM_015697.9); short protein forms G164E, G214E.
Identifiers: ClinVar variation 1031931 (VCV001031931.1), dbSNP rs1208562247, ClinGen allele CA357230234.

ClinVar aggregate classification (germline): Uncertain significance (1 of 4 stars; one submission).

Conditions:
Coenzyme Q10 deficiency, primary, 1. Also called: UBIQUINONE DEFICIENCY 1; COENZYME Q DEFICIENCY 1; CoQ DEFICIENCY 1. Identifiers: Orphanet 255249, MedGen C3551954, MONDO:0011829, OMIM 607426.

Allele frequency attached by ClinVar (database versions not stated): gnomAD exomes below 0.00001; TOPMed below 0.00001; gnomAD 0.00001.
gnomAD v4.1: 3 of 1,613,530 alleles (0.00019%); highest among the groups gnomAD compares: African/African-American, 0.0013%; no homozygotes.

Submission:

Baylor Genetics
Classification: Uncertain significance for Coenzyme Q10 deficiency, primary, 1. Last evaluated: 2018-09-10. Review status: criteria provided, single submitter. Criteria: ACMG Guidelines, 2015. Collection method: clinical testing. Allele origin: unknown. Affected: yes.
Comment: This variant was determined to be of uncertain significance according to ACMG Guidelines, 2015 [PMID:25741868].